The following is an entry in ClinVar:

NM_001193329.3(AOPEP):c.1641C>T (p.Pro547=)

Genes: AOPEP (aminopeptidase O (putative); plus strand), AOPEP-AS1 (AOPEP antisense RNA 1; minus strand). Cytogenetic location: 9q22.32.
Variant type: single nucleotide variant.
Coding change: c.1641C>T on transcript NM_001193329.3 (MANE Select); coding-DNA position 1641, C replaced by T.
Protein change: p.Pro547=; no amino-acid change (proline 547 retained).
Molecular consequence: synonymous variant. On other transcripts: non-coding transcript variant (3), intron variant (4).
Genome position (GRCh38, 1-based): chr9:94,928,511, C>T. VCF-style: chr9-94928511-C-T. GRCh37 (hg19) VCF-style: chr9-97690793-C-T.
Other names: c.1641C>T, p.Pro547= (NM_001193331.3, NM_001386063.2, NM_001386066.1 and 7 more transcripts); c.1320C>T, p.Pro440= (NM_001386062.2); c.771C>T, p.Pro257= (NM_001386073.1); c.1365-26666C>T (NM_032823.6, NM_001386069.1); c.1365-50856C>T (NM_001386067.1); c.372-26666C>T (NM_001386061.1).
Identifiers: ClinVar variation 3025026 (VCV003025026.22), dbSNP rs545129535, ClinGen allele CA5136793.

ClinVar aggregate classification (germline): Likely benign (1 of 4 stars; one submission).

Allele frequency attached by ClinVar (database versions not stated): TOPMed 0.00005; gnomAD 0.00028; gnomAD exomes 0.00041; 1000 Genomes Project 30x 0.00187; 1000 Genomes Project 0.00200; ExAC 0.00259.
gnomAD v4.1: 623 of 1,550,704 alleles (0.04%); highest among the groups gnomAD compares: South Asian, 0.63%; 8 homozygotes.

Submission:

CeGaT Center for Human Genetics Tuebingen
Classification: Likely benign. Last evaluated: 2024-03-01. Review status: criteria provided, single submitter. Criteria: CeGaT Center For Human Genetics Tuebingen Variant Classification Criteria Version 2. Collection method: clinical testing. Allele origin: germline. Affected: yes. Observed: 1 variant allele.
Comment: AOPEP: BP4, BP7, BS2